The following is an entry in ClinVar:

NM_000520.6(HEXA):c.1292G>A (p.Trp431Ter)

Gene: HEXA (hexosaminidase subunit alpha; minus strand). Cytogenetic location: 15q23.
Variant type: single nucleotide variant.
Coding change: c.1292G>A on transcript NM_000520.6 (MANE Select); coding-DNA position 1292, G replaced by A.
Protein change: p.Trp431Ter; replaces tryptophan 431 with a stop codon.
Molecular consequence: nonsense.
Genome position (GRCh38, 1-based): chr15:72,346,565, C>T on the plus strand (G>A on the coding strand, the complement: HEXA is on the minus strand). VCF-style: chr15-72346565-C-T. GRCh37 (hg19) VCF-style: chr15-72638906-C-T.
Other names: c.1325G>A, p.Trp442Ter (NM_001318825.2); short protein forms W431*, W442*.
Identifiers: ClinVar variation 4818716 (VCV004818716.1).
Genomic context (GRCh38, chr15:72,346,565, plus strand): 5'-AAGGAGAGCTCTCTGCTTTCACCTTCAAATGCCAGGGGTTCCACTATGTAGAAATCCTTC[C>T]AGTCAGGGCCATAGGATATACGGTTCAGGTACCAGGGGGCAGAGAGAAGGGCCCGGAAGC-3'

ClinVar aggregate classification (germline): Pathogenic (1 of 4 stars; one submission).

Conditions:
Tay-Sachs disease (TSD). Also called: HEXA DEFICIENCY; HEXA Disorders; GM2 gangliosidosis, type 1; Hexosaminidase alpha-subunit deficiency (variant B); Sphingolipidosis, Tay-Sachs; Hexosaminidase A Deficiency. Identifiers: Orphanet 845, MedGen C0039373, MONDO:0010100, OMIM 272800.

Submission:

Natera, Inc.
Classification: Pathogenic for Tay-Sachs disease. Last evaluated: 2025-01-31. Review status: criteria provided, single submitter. Criteria: Natera Variant Classification Schema (03/2026). Collection method: clinical testing. Allele origin: germline.
Comment: The c.1292G>A variant in HEXA is a nonsense variant predicted to introduce a stop codon at amino acid 431. This variant is expected to result in nonsense mediated decay, truncation, or a dysfunctional protein product. This variant is rare in the general population with a frequency below the threshold expected for the associated phenotype(s). This variant has been observed in one or more individuals affected with the associated recessive disease, as either homozygous or compound heterozygous with a second variant (PMID: 16088929). Given the available evidence, this variant is classified as Pathogenic.

Literature cited by the submitters: PubMed 16088929.